The following is an entry in ClinVar:

ClinVar aggregate classification (germline): Pathogenic (1 of 4 stars; one submission).

Conditions:
Duchenne muscular dystrophy (DMD). Also called: MUSCULAR DYSTROPHY, PSEUDOHYPERTROPHIC PROGRESSIVE, DUCHENNE TYPE; Duchenne Muscular Dystrophy (DMD). Identifiers: Orphanet 98896, MedGen C0013264, MONDO:0010679, OMIM 310200.

Submission:

Labcorp Genetics (formerly Invitae), Labcorp
Classification: Pathogenic for Duchenne muscular dystrophy. Last evaluated: 2023-12-30. Review status: criteria provided, single submitter. Criteria: Invitae Variant Classification Sherloc (09022015). Collection method: clinical testing. Allele origin: unknown.
Comment: This variant results in the deletion of exons 46-47 and part of exon 48 (c.6614+17112_7029delinsCT) of the DMD gene. It is expected to disrupt RNA splicing. Variants that disrupt the donor or acceptor splice site typically lead to a loss of protein function (PMID: 16199547), and loss-of-function variants in DMD are known to be pathogenic (PMID: 16770791, 25007885). This variant has not been reported in the literature in individuals affected with DMD-related conditions. This variant disrupts a region of the DMD protein in which other variant(s) (Deletion (Exon 47)) have been determined to be pathogenic (PMID: 8413368, 18353051). This suggests that this is a clinically significant region of the protein, and that variants that disrupt it are likely to be disease-causing. For these reasons, this variant has been classified as Pathogenic.

Literature cited by the submitters: PubMed 16199547; PubMed 16770791; PubMed 25007885; PubMed 8413368; PubMed 18353051.

NC_000023.10:g.(?_31893374)_(31969344_?)del

Gene: DMD (dystrophin; minus strand). Cytogenetic location: Xp21.1.
Variant type: Deletion.
Identifiers: ClinVar variation 3243593 (VCV003243593.1).